The following is an entry in ClinVar:

ClinVar aggregate classification (germline): Uncertain significance (1 of 4 stars; one submission).

Conditions:
X-linked myopathy with postural muscle atrophy. Also called: FHL1-Related Emery-Dreifuss Muscular Dystrophy, X-Linked. Identifiers: Orphanet 178461, MedGen C2678055, MONDO:0010401, OMIM 300696.

Submission:

Labcorp Genetics (formerly Invitae), Labcorp
Classification: Uncertain significance for X-linked myopathy with postural muscle atrophy. Last evaluated: 2023-12-09. Review status: criteria provided, single submitter. Criteria: Invitae Variant Classification Sherloc (09022015). Collection method: clinical testing. Allele origin: germline.
Comment: This sequence change replaces cysteine, which is neutral and slightly polar, with leucine, which is neutral and non-polar, at codon 31 of the FHL1 protein (p.Cys31Leu). Information on the frequency of this variant in the gnomAD database is not available, as this variant may be reported differently in the database. This variant has not been reported in the literature in individuals affected with FHL1-related conditions. ClinVar contains an entry for this variant (Variation ID: 1389420). An algorithm developed to predict the effect of missense changes on protein structure and function (PolyPhen-2) suggests that this variant is likely to be disruptive. In summary, the available evidence is currently insufficient to determine the role of this variant in disease. Therefore, it has been classified as a Variant of Uncertain Significance.

NM_001159699.2(FHL1):c.140_141delinsTA (p.Cys47Leu)

Gene: FHL1 (four and a half LIM domains 1; plus strand). Cytogenetic location: Xq26.3.
Variant type: Indel.
Coding change: c.140_141delinsTA on transcript NM_001159699.2 (MANE Select); coding-DNA positions 140 to 141, GC replaced by TA.
Protein change: p.Cys47Leu; replaces cysteine 47 with leucine.
Molecular consequence: missense variant. On other transcripts: non-coding transcript variant (1).
Genome position (GRCh38, 1-based): chrX:136,206,524-136,206,525, GC replaced by TA. VCF-style: chrX-136206524-GC-TA. GRCh37 (hg19) VCF-style: chrX-135288683-GC-TA.
Other names: c.92_93delinsTA, p.Cys31Leu (NM_001159700.2, NM_001159702.3, NM_001159703.2 and 9 more transcripts); c.179_180delinsTA, p.Cys60Leu (NM_001159701.2); c.140_141delinsTA, p.Cys47Leu (NM_001330659.2); short protein forms C47L, C31L, C60L.
Identifiers: ClinVar variation 1389420 (VCV001389420.6), dbSNP rs2148371771, ClinGen allele CA2573159299.